The following is an entry in ClinVar:

ClinVar aggregate classification (germline): Uncertain significance (1 of 4 stars; one submission).

Conditions:
5-Oxoprolinase deficiency (OPLAHD). Also called: 5-OXOPROLINURIA DUE TO 5-OXOPROLINASE DEFICIENCY. Identifiers: Orphanet 33572, MedGen C0268525, MONDO:0009825, OMIM 260005, HP:0040142.

Allele frequency attached by ClinVar (database versions not stated): TOPMed below 0.00001; gnomAD 0.00001.

Submission:

Labcorp Genetics (formerly Invitae), Labcorp
Classification: Uncertain significance for 5-Oxoprolinase deficiency. Last evaluated: 2025-06-12. Review status: criteria provided, single submitter. Criteria: Invitae Variant Classification Sherloc (09022015). Collection method: clinical testing. Allele origin: germline.
Comment: This sequence change falls in intron 3 of the OPLAH gene. It does not directly change the encoded amino acid sequence of the OPLAH protein. It affects a nucleotide within the consensus splice site. This variant is present in population databases (no rsID available, gnomAD 0.01%). This variant has not been reported in the literature in individuals affected with OPLAH-related conditions. ClinVar contains an entry for this variant (Variation ID: 2165775). Variants that disrupt the consensus splice site are a relatively common cause of aberrant splicing (PMID: 17576681, 9536098). Algorithms developed to predict the effect of sequence changes on RNA splicing suggest that this variant is not likely to affect RNA splicing. In summary, the available evidence is currently insufficient to determine the role of this variant in disease. Therefore, it has been classified as a Variant of Uncertain Significance.

Literature cited by the submitters: PubMed 17576681; PubMed 9536098.

NM_017570.5(OPLAH):c.363+3G>A

Gene: OPLAH (5-oxoprolinase, ATP-hydrolysing; minus strand). Cytogenetic location: 8q24.3.
Variant type: single nucleotide variant.
Coding change: c.363+3G>A on transcript NM_017570.5 (MANE Select); 3 bases into the intron after coding-DNA position 363, G replaced by A.
Molecular consequence: intron variant.
Genome position (GRCh38, 1-based): chr8:144,059,596, C>T on the plus strand (G>A on the coding strand, the complement: OPLAH is on the minus strand). VCF-style: chr8-144059596-C-T. GRCh37 (hg19) VCF-style: chr8-145114499-C-T.
Identifiers: ClinVar variation 2165775 (VCV002165775.4), dbSNP rs1554760365, ClinGen allele CA586160046.
Genomic context (GRCh38, chr8:144,059,596, plus strand): 5'-GGTCAAGGCATCCCTGGGGGGTGTACACCACACAGCCTGGTCCCCAGCCAACATGGAGCT[C>T]ACCAGGTCAAAGAGGTCCCCACGGGCTTGGGTGCCAATGTGCAGCAGGTCTCGGAAGCCA-3'